The following is an entry in ClinVar:

NM_004076.5(CRYBB3):c.117C>T (p.Cys39=)

Gene: CRYBB3 (crystallin beta B3; plus strand). Cytogenetic location: 22q11.23.
Variant type: single nucleotide variant.
Coding change: c.117C>T on transcript NM_004076.5 (MANE Select); coding-DNA position 117, C replaced by T.
Protein change: p.Cys39=; no amino-acid change (cysteine 39 retained).
Molecular consequence: synonymous variant.
Genome position (GRCh38, 1-based): chr22:25,202,715, C>T. VCF-style: chr22-25202715-C-T. GRCh37 (hg19) VCF-style: chr22-25598682-C-T.
Identifiers: ClinVar variation 4989774 (VCV004989774.1).

ClinVar aggregate classification (germline): Likely benign (1 of 4 stars; one submission).

Conditions:
CRYBB3-related disorder. Also called: CRYBB3-related condition.

gnomAD v4.1: 29 of 1,613,944 alleles (0.0018%); highest among the groups gnomAD compares: Admixed American, 0.005%; no homozygotes.

Submission:

PreventionGenetics, part of Exact Sciences
Classification: Likely benign for CRYBB3-related condition. Last evaluated: 2024-12-13. Review status: criteria provided, single submitter. Criteria: ACMG Guidelines, 2015. Collection method: clinical testing. Allele origin: germline.
Comment: This variant is classified as likely benign based on ACMG/AMP sequence variant interpretation guidelines (Richards et al. 2015 PMID: 25741868, with internal and published modifications).